The following is an entry in ClinVar:

NM_032043.3(BRIP1):c.2249G>T (p.Gly750Val)

Gene: BRIP1 (BRCA1 interacting DNA helicase 1; minus strand). Cytogenetic location: 17q23.2.
Variant type: single nucleotide variant.
Coding change: c.2249G>T on transcript NM_032043.3 (MANE Select); coding-DNA position 2249, G replaced by T.
Protein change: p.Gly750Val; replaces glycine 750 with valine.
Molecular consequence: missense variant.
Genome position (GRCh38, 1-based): chr17:61,744,440, C>A on the plus strand (G>T on the coding strand, the complement: BRIP1 is on the minus strand). VCF-style: chr17-61744440-C-A. GRCh37 (hg19) VCF-style: chr17-59821801-C-A.
Other names: short protein forms G750V.
Identifiers: ClinVar variation 630233 (VCV000630233.18), dbSNP rs764061653, ClinGen allele CA8690569.
Genomic context (GRCh38, chr17:61,744,440, plus strand): 5'-ACTTTGTAATAAAAAATATTTTTTCACCGACCATGAAATAATTTCCAGTTACCTTTCTCT[C>A]CTTTGTATTTGATTGCGTCATAGTACACCTGCAGTAATTCATCAAAATTTGTTTTTTCTC-3'
Protein context (NP_114432.2, residues 740-760): QVYYDAIKYK[Gly750Val]EKDGALLVAV

ClinVar aggregate classification (germline): Uncertain significance. Review status: criteria provided, multiple submitters, no conflicts (2 of 4 stars). 5 submissions from 5 submitters: Uncertain significance (5). Last evaluated 2026-04-18.

Conditions:
Hereditary cancer-predisposing syndrome. Also called: Hereditary Cancer Syndrome; Hereditary neoplastic syndrome; Tumor predisposition; Neoplastic Syndromes, Hereditary. Identifiers: Orphanet 140162, MedGen C0027672, MeSH D009386, MONDO:0015356.
Fanconi anemia complementation group J. Also called: BRIP1-Related Fanconi Anemia. Identifiers: Orphanet 84, MedGen C1836860, MONDO:0012187, OMIM 609054.
Familial cancer of breast. Also called: Hereditary breast cancer; BREAST CANCER, FAMILIAL; hereditary breast carcinoma. Identifiers: Orphanet 227535, MedGen C0346153, MONDO:0016419, OMIM 114480. Disease mechanism: loss of function.

Allele frequency attached by ClinVar (database versions not stated): gnomAD exomes below 0.00001; ExAC 0.00001.
gnomAD v4.1: 2 of 1,613,798 alleles (0.00012%); highest among the groups gnomAD compares: South Asian, 0.0022%; no homozygotes.

Submissions (5):

Women's Health and Genetics/Laboratory Corporation of America, LabCorp
Classification: Uncertain significance. Last evaluated: 2026-04-18. Review status: criteria provided, single submitter. Criteria: LabCorp Variant Classification Summary - May 2015. Collection method: clinical testing. Allele origin: germline.

Ambry Genetics
Classification: Uncertain significance for Hereditary cancer-predisposing syndrome. Last evaluated: 2025-05-02. Review status: criteria provided, single submitter. Criteria: Ambry Variant Classification Scheme 2023. Collection method: clinical testing. Allele origin: germline.
Comment: The p.G750V variant (also known as c.2249G>T), located in coding exon 14 of the BRIP1 gene, results from a G to T substitution at nucleotide position 2249. The glycine at codon 750 is replaced by valine, an amino acid with dissimilar properties. This amino acid position is conserved. In addition, the in silico prediction for this alteration is inconclusive. Since supporting evidence is limited at this time, the clinical significance of this alteration remains unclear.

Labcorp Genetics (formerly Invitae), Labcorp
Classification: Uncertain significance for Familial cancer of breast; Fanconi anemia complementation group J. Last evaluated: 2024-11-04. Review status: criteria provided, single submitter. Criteria: Invitae Variant Classification Sherloc (09022015). Collection method: clinical testing. Allele origin: germline.
Comment: This sequence change replaces glycine, which is neutral and non-polar, with valine, which is neutral and non-polar, at codon 750 of the BRIP1 protein (p.Gly750Val). This variant is present in population databases (rs764061653, gnomAD 0.003%). This variant has not been reported in the literature in individuals affected with BRIP1-related conditions. ClinVar contains an entry for this variant (Variation ID: 630233). Invitae Evidence Modeling of protein sequence and biophysical properties (such as structural, functional, and spatial information, amino acid conservation, physicochemical variation, residue mobility, and thermodynamic stability) has been performed for this missense variant. However, the output from this modeling did not meet the statistical confidence thresholds required to predict the impact of this variant on BRIP1 protein function. In summary, the available evidence is currently insufficient to determine the role of this variant in disease. Therefore, it has been classified as a Variant of Uncertain Significance.

Baylor Genetics
Classification: Uncertain significance for Familial cancer of breast. Last evaluated: 2023-10-11. Review status: criteria provided, single submitter. Criteria: ACMG Guidelines, 2015. Collection method: clinical testing. Allele origin: unknown.

Color Diagnostics, LLC DBA Color Health
Classification: Uncertain significance for Hereditary cancer-predisposing syndrome. Last evaluated: 2019-04-04. Review status: criteria provided, single submitter. Criteria: ACMG Guidelines, 2015. Collection method: clinical testing. Allele origin: germline.